The following is an entry in ClinVar:

NM_001252024.2(TRPM1):c.1089+1G>A

Gene: TRPM1 (transient receptor potential cation channel subfamily M member 1; minus strand). Cytogenetic location: 15q13.3.
Variant type: single nucleotide variant.
Coding change: c.1089+1G>A on transcript NM_001252024.2 (MANE Select); the canonical splice donor site of the intron after coding-DNA position 1089, G replaced by A.
Molecular consequence: splice donor variant.
Genome position (GRCh38, 1-based): chr15:31,062,578, C>T on the plus strand (G>A on the coding strand, the complement: TRPM1 is on the minus strand). VCF-style: chr15-31062578-C-T. GRCh37 (hg19) VCF-style: chr15-31354781-C-T.
Other names: c.1140+1G>A (NM_001252020.2); c.1023+1G>A (NM_002420.6).
Identifiers: ClinVar variation 939456 (VCV000939456.11), dbSNP rs1430815251, ClinGen allele CA391524404.
Genomic context (GRCh38, chr15:31,062,578, plus strand): 5'-TAGAAAAGGAAACATAATTCTCTCCACAGAGCTTGTTTGGAAATAAATTCAAGACACTTA[C>T]GAGTTCTTTCTTCTTCATGCACTCCATTATAATTGCAAACAGCTGATGTGATTGTGCCTT-3'

ClinVar aggregate classification (germline): Likely pathogenic. Review status: criteria provided, multiple submitters, no conflicts (2 of 4 stars). 3 submissions from 3 submitters: Likely pathogenic (3). Last evaluated 2025-03-04.

Conditions:
TRPM1-related disorder. Also called: TRPM1-related condition.
Congenital stationary night blindness 1C. Also called: Night blindness, congenital stationary (complete), 1C, autosomal recessive. Identifiers: Orphanet 215, MedGen C2750747, MONDO:0013183, OMIM 613216.

Allele frequency attached by ClinVar (database versions not stated): gnomAD exomes 0.00002; TOPMed 0.00002; gnomAD 0.00003.
gnomAD v4.1: 20 of 1,613,958 alleles (0.0012%); highest among the groups gnomAD compares: Admixed American, 0.005%; no homozygotes.

Submissions (3):

Labcorp Genetics (formerly Invitae), Labcorp
Classification: Likely pathogenic. Last evaluated: 2025-03-04. Review status: criteria provided, single submitter. Criteria: Invitae Variant Classification Sherloc (09022015). Collection method: clinical testing. Allele origin: germline.
Comment: This sequence change affects a donor splice site in intron 8 of the TRPM1 gene. It is expected to disrupt RNA splicing. Variants that disrupt the donor or acceptor splice site typically lead to a loss of protein function (PMID: 16199547), and loss-of-function variants in TRPM1 are known to be pathogenic (PMID: 19896113, 19966281, 20300565). This variant is present in population databases (no rsID available, gnomAD 0.009%). Disruption of this splice site has been observed in individual(s) with clinical features of TRPM1-related conditions and/or congenital stationary night blindness (PMID: 29522070, 35457050). ClinVar contains an entry for this variant (Variation ID: 939456). Algorithms developed to predict the effect of sequence changes on RNA splicing suggest that this variant may disrupt the consensus splice site. In summary, the currently available evidence indicates that the variant is pathogenic, but additional data are needed to prove that conclusively. Therefore, this variant has been classified as Likely Pathogenic.

Ophthalmic Genetics and Bioinformatics Laboratory, Shanghai Puxi and Light Genomics Technology Co., Ltd.
Classification: Likely pathogenic for Congenital stationary night blindness 1C. Last evaluated: 2025-03-04. Review status: criteria provided, single submitter. Criteria: ACMG Guidelines, 2015. Collection method: clinical testing. Allele origin: maternal. Affected: yes.
Comment: The variant is rated as PVS1 + PM2_Supporting based on the following evidence: This variant is a classic splice mutation associated with a loss-of-function (LOF) pathogenic mechanism. The transcript affected by this mutation is biologically significant and not located in the last coding exon or within the last 50 base pairs of the second-to-last coding exon. It is predicted to potentially activate nonsense-mediated mRNA decay, which would affect the function of the protein encoded by this gene. Splice AI prediction score is ≥0.5, further supporting the use of PVS1 evidence for this variant. Additionally, this variant is extremely rare or absent in the ExAC, gnomAD, and 1000 Genomes Asian population databases, indicating a low population frequency.

Blueprint Genetics
Classification: Likely pathogenic for TRPM1-related disorders. Last evaluated: 2022-08-08. Review status: criteria provided, single submitter. Criteria: ACMG Guidelines, 2015. Collection method: clinical testing. Allele origin: germline. Affected: yes. Observed: 3 variant alleles.

Literature cited by the submitters: PubMed 16199547 (cited by Labcorp Genetics (formerly Invitae), Labcorp); PubMed 19896113 (cited by Labcorp Genetics (formerly Invitae), Labcorp); PubMed 19966281 (cited by Labcorp Genetics (formerly Invitae), Labcorp); PubMed 20300565 (cited by Labcorp Genetics (formerly Invitae), Labcorp); PubMed 29522070 (cited by Labcorp Genetics (formerly Invitae), Labcorp); PubMed 35457050 (cited by Labcorp Genetics (formerly Invitae), Labcorp).